The following is an entry in ClinVar:

NM_006343.3(MERTK):c.2692G>A (p.Asp898Asn)

Gene: MERTK (MER proto-oncogene, tyrosine kinase; plus strand). Cytogenetic location: 2q13.
Variant type: single nucleotide variant.
Coding change: c.2692G>A on transcript NM_006343.3 (MANE Select); coding-DNA position 2692, G replaced by A.
Protein change: p.Asp898Asn; replaces aspartic acid 898 with asparagine.
Molecular consequence: missense variant.
Genome position (GRCh38, 1-based): chr2:112,028,556, G>A. VCF-style: chr2-112028556-G-A. GRCh37 (hg19) VCF-style: chr2-112786133-G-A.
Other names: short protein forms D898N.
Identifiers: ClinVar variation 1486449 (VCV001486449.8), dbSNP rs760710190, ClinGen allele CA1831948.
Genomic context (GRCh38, chr2:112,028,556, plus strand): 5'-CTGGAGAGCTCTGAGGGCCTGGCCCAGGGCTCCACCCTTGCTCCACTGGACTTGAACATC[G>A]ACCCTGACTCTATAATTGCCTCCTGCACTCCCCGCGCTGCCATCAGTGTGGTCACAGCAG-3'
Protein context (NP_006334.2, residues 888-908): STLAPLDLNI[Asp898Asn]PDSIIASCTP

ClinVar aggregate classification (germline): Uncertain significance (1 of 4 stars; one submission).

Allele frequency attached by ClinVar (database versions not stated): ExAC 0.00001; gnomAD exomes 0.00001.
gnomAD v4.1: 14 of 1,614,134 alleles (0.00087%); highest among the groups gnomAD compares: Middle Eastern, 0.049%; no homozygotes.

Submission:

Labcorp Genetics (formerly Invitae), Labcorp
Classification: Uncertain significance. Last evaluated: 2020-11-18. Review status: criteria provided, single submitter. Criteria: Invitae Variant Classification Sherloc (09022015). Collection method: clinical testing. Allele origin: germline.
Comment: In summary, the available evidence is currently insufficient to determine the role of this variant in disease. Therefore, it has been classified as a Variant of Uncertain Significance. Algorithms developed to predict the effect of missense changes on protein structure and function output the following: SIFT: "Tolerated"; PolyPhen-2: "Benign"; Align-GVGD: "Class C0". The asparagine amino acid residue is found in multiple mammalian species, suggesting that this missense change does not adversely affect protein function. These predictions have not been confirmed by published functional studies and their clinical significance is uncertain. This variant has not been reported in the literature in individuals with MERTK-related conditions. This variant is present in population databases (rs760710190, ExAC 0.006%). This sequence change replaces aspartic acid with asparagine at codon 898 of the MERTK protein (p.Asp898Asn). The aspartic acid residue is highly conserved and there is a small physicochemical difference between aspartic acid and asparagine.